The following is an entry in ClinVar:

ClinVar aggregate classification (germline): Benign/Likely benign. Review status: criteria provided, multiple submitters, no conflicts (2 of 4 stars). 7 submissions from 7 submitters: Benign (1); Likely benign (5). 1 of the submissions does not count toward it. Last evaluated 2026-01-11.

Conditions:
TNXB-related disorder. Also called: TNXB-related condition.
Cardiovascular phenotype. Identifiers: MedGen CN230736.

Allele frequency attached by ClinVar (database versions not stated): TOPMed 0.00008; gnomAD 0.00014; 1000 Genomes Project 30x 0.00016; ESP Exome Variant Server 0.00017; gnomAD exomes 0.00018 and 0.00035; ExAC 0.00027.
gnomAD v4.1: 276 of 1,600,634 alleles (0.017%); highest among the groups gnomAD compares: Non-Finnish European, 0.013%; 2 homozygotes.

Submissions (7):

Labcorp Genetics (formerly Invitae), Labcorp
Classification: Benign. Last evaluated: 2026-01-11. Review status: criteria provided, single submitter. Criteria: Invitae Variant Classification Sherloc (09022015). Collection method: clinical testing. Allele origin: germline.

Women's Health and Genetics/Laboratory Corporation of America, LabCorp
Classification: Likely benign. Last evaluated: 2025-05-22. Review status: criteria provided, single submitter. Criteria: LabCorp Variant Classification Summary - May 2015. Collection method: clinical testing. Allele origin: germline.

Mayo Clinic Laboratories, Mayo Clinic
Classification: Likely benign. Last evaluated: 2024-12-27. Review status: criteria provided, single submitter. Criteria: ACMG Guidelines, 2015. Collection method: clinical testing. Allele origin: germline. Observed: 1 variant allele.
Comment: BS1, BP4, BP7

Ambry Genetics
Classification: Likely benign for Cardiovascular phenotype. Last evaluated: 2023-09-06. Review status: criteria provided, single submitter. Criteria: Ambry Variant Classification Scheme 2023. Collection method: clinical testing. Allele origin: germline.

Blueprint Genetics
Classification: Likely benign. Last evaluated: 2023-07-01. Review status: criteria provided, single submitter. Criteria: ACMG Guidelines, 2015. Collection method: clinical testing. Allele origin: germline.

GeneDx
Classification: Likely benign. Last evaluated: 2020-08-27. Review status: criteria provided, single submitter. Criteria: GeneDx Variant Classification Process June 2021. Collection method: clinical testing. Allele origin: germline. Affected: yes.

PreventionGenetics, part of Exact Sciences
Classification: Likely benign for TNXB-related condition. Last evaluated: 2021-06-04. Review status: no assertion criteria provided. Collection method: clinical testing. Allele origin: germline. Not counted in ClinVar's aggregate classification.
Comment: This variant is classified as likely benign based on ACMG/AMP sequence variant interpretation guidelines (Richards et al. 2015 PMID: 25741868, with internal and published modifications).

NM_001365276.2(TNXB):c.5028C>T (p.Arg1676=)

Gene: TNXB (tenascin XB; minus strand). Cytogenetic location: 6p21.33.
Variant type: single nucleotide variant.
Coding change: c.5028C>T on transcript NM_001365276.2 (MANE Select); coding-DNA position 5028, C replaced by T.
Protein change: p.Arg1676=; no amino-acid change (arginine 1676 retained).
Molecular consequence: synonymous variant.
Genome position (GRCh38, 1-based): chr6:32,070,377, G>A on the plus strand (C>T on the coding strand, the complement: TNXB is on the minus strand). VCF-style: chr6-32070377-G-A. GRCh37 (hg19) VCF-style: chr6-32038154-G-A.
Other names: p.Arg1676=; c.5028C>T, p.Arg1676= (NM_019105.8).
Identifiers: ClinVar variation 1189460 (VCV001189460.10), dbSNP rs368058720, ClinGen allele CA3734809.